The following is an entry in ClinVar:

ClinVar aggregate classification (germline): Uncertain significance (1 of 4 stars; one submission).

Conditions:
Malignant hyperthermia, susceptibility to, 5 (MHS5). Also called: CACNA1S-Related Malignant Hyperthermia Susceptibility. Identifiers: Orphanet 423, MedGen C1866077, MONDO:0011163, OMIM 601887.

Submission:

All of Us Research Program, National Institutes of Health
Classification: Uncertain significance for Malignant hyperthermia, susceptibility to, 5. Last evaluated: 2024-03-05. Review status: criteria provided, single submitter. Criteria: ACMG Guidelines, 2015. Collection method: clinical testing. Allele origin: germline. Inheritance: Autosomal dominant inheritance. Observed: 1 variant allele, 1 heterozygote.
Comment: This study involves interpretation of variants in research participants for the purpose of population health screening. Participant phenotype was not available at the time of variant classification. Additional details can be found in publication PMID: 35346344, PMCID: PMC8962531

NM_000069.3(CACNA1S):c.179C>G (p.Thr60Ser)

Gene: CACNA1S (calcium voltage-gated channel subunit alpha1 S; minus strand). Cytogenetic location: 1q32.1.
Variant type: single nucleotide variant.
Coding change: c.179C>G on transcript NM_000069.3 (MANE Select); coding-DNA position 179, C replaced by G.
Protein change: p.Thr60Ser; replaces threonine 60 with serine.
Molecular consequence: missense variant.
Genome position (GRCh38, 1-based): chr1:201,110,243, G>C on the plus strand (C>G on the coding strand, the complement: CACNA1S is on the minus strand). VCF-style: chr1-201110243-G-C. GRCh37 (hg19) VCF-style: chr1-201079371-G-C.
Other names: short protein forms T60S.
Identifiers: ClinVar variation 3386411 (VCV003386411.1).